The following is an entry in ClinVar:

NM_004006.3(DMD):c.7064A>G (p.Asn2355Ser)

Gene: DMD (dystrophin; minus strand). Cytogenetic location: Xp21.1.
Variant type: single nucleotide variant.
Coding change: c.7064A>G on transcript NM_004006.3 (MANE Select); coding-DNA position 7064, A replaced by G.
Protein change: p.Asn2355Ser; replaces asparagine 2355 with serine.
Molecular consequence: missense variant. On other transcripts: 5 prime UTR variant (5).
Genome position (GRCh38, 1-based): chrX:31,875,222, T>C on the plus strand (A>G on the coding strand, the complement: DMD is on the minus strand). VCF-style: chrX-31875222-T-C. GRCh37 (hg19) VCF-style: chrX-31893339-T-C.
Other names: c.7040A>G, p.Asn2347Ser (NM_000109.4); c.7052A>G, p.Asn2351Ser (NM_004009.3); c.6695A>G, p.Asn2232Ser (NM_004010.3); c.3041A>G, p.Asn1014Ser (NM_004011.4); c.3032A>G, p.Asn1011Ser (NM_004012.4); c.-317A>G (NM_004013.3, NM_004020.4, NM_004021.3 and 2 more transcripts); c.7064A>G (NM_004006.2); short protein forms N1011S, N1014S, N2232S, N2347S, N2351S, N2355S.
Identifiers: ClinVar variation 1015517 (VCV001015517.10), dbSNP rs1366729351, ClinGen allele CA412659932.

ClinVar aggregate classification (germline): Conflicting classifications of pathogenicity. Review status: criteria provided, conflicting classifications (1 of 4 stars). 3 submissions from 3 submitters: Uncertain significance (1); Likely benign (1). 1 of the submissions does not count toward it. Last evaluated 2024-12-16.

Conditions:
Cardiovascular phenotype. Identifiers: MedGen CN230736.
Duchenne muscular dystrophy (DMD). Also called: MUSCULAR DYSTROPHY, PSEUDOHYPERTROPHIC PROGRESSIVE, DUCHENNE TYPE; Duchenne Muscular Dystrophy (DMD). Identifiers: Orphanet 98896, MedGen C0013264, MONDO:0010679, OMIM 310200.
Dystrophin deficiency.
Becker muscular dystrophy (BMD). Also called: MUSCULAR DYSTROPHY, PSEUDOHYPERTROPHIC PROGRESSIVE, BECKER TYPE; Becker Muscular Dystrophy (BMD). Identifiers: Orphanet 98895, MedGen C0917713, MONDO:0010311, OMIM 300376.
Cardiomyopathy (CMYO). Also called: Cardiomyopathies. Identifiers: Orphanet 167848, MedGen C0878544, MONDO:0004994, HP:0001638. Inheritance: Various modes of inheritance.

Allele frequency attached by ClinVar (database versions not stated): gnomAD exomes 0.00001.
gnomAD v4.1: 3 of 1,207,988 alleles (0.00025%); highest among the groups gnomAD compares: Non-Finnish European, 0.00034%; no homozygotes.

Submissions (3):

Ambry Genetics
Classification: Likely benign for Cardiovascular phenotype. Last evaluated: 2024-12-16. Review status: criteria provided, single submitter. Criteria: Ambry Variant Classification Scheme 2023. Collection method: clinical testing. Allele origin: germline.

Labcorp Genetics (formerly Invitae), Labcorp
Classification: Uncertain significance for Duchenne muscular dystrophy. Last evaluated: 2022-01-23. Review status: criteria provided, single submitter. Criteria: Invitae Variant Classification Sherloc (09022015). Collection method: clinical testing. Allele origin: germline.
Comment: This sequence change replaces asparagine, which is neutral and polar, with serine, which is neutral and polar, at codon 2355 of the DMD protein (p.Asn2355Ser). The frequency data for this variant in the population databases is considered unreliable, as metrics indicate poor data quality at this position in the gnomAD database. This variant has not been reported in the literature in individuals affected with DMD-related conditions. ClinVar contains an entry for this variant (Variation ID: 1015517). Algorithms developed to predict the effect of missense changes on protein structure and function output the following: SIFT: "Deleterious"; PolyPhen-2: "Benign"; Align-GVGD: "Class C0". The serine amino acid residue is found in multiple mammalian species, which suggests that this missense change does not adversely affect protein function. In summary, the available evidence is currently insufficient to determine the role of this variant in disease. Therefore, it has been classified as a Variant of Uncertain Significance.

Natera, Inc.
Classification: Uncertain significance for Becker muscular dystrophy; Cardiomyopathy; Duchenne muscular dystrophy; Dystrophin deficiency. Last evaluated: 2021-06-24. Review status: no assertion criteria provided. Collection method: clinical testing. Allele origin: germline. Not counted in ClinVar's aggregate classification.